The following is an entry in ClinVar:

NM_007194.4(CHEK2):c.460A>C (p.Asn154His)

Gene: CHEK2 (checkpoint kinase 2; minus strand). Cytogenetic location: 22q12.1.
Variant type: single nucleotide variant.
Coding change: c.460A>C on transcript NM_007194.4 (MANE Select); coding-DNA position 460, A replaced by C.
Protein change: p.Asn154His; replaces asparagine 154 with histidine.
Molecular consequence: missense variant. On other transcripts: 5 prime UTR variant (2), intron variant (1).
Genome position (GRCh38, 1-based): chr22:28,725,109, T>G on the plus strand (A>C on the coding strand, the complement: CHEK2 is on the minus strand). VCF-style: chr22-28725109-T-G. GRCh37 (hg19) VCF-style: chr22-29121097-T-G.
Other names: c.589A>C, p.Asn197His (NM_001005735.3, NM_001438294.1); c.-318A>C (NM_001257387.3); c.-204A>C (NM_001437942.1); c.553A>C, p.Asn185His (NM_001438293.1, NM_001438295.1); c.460A>C, p.Asn154His (NM_145862.3); c.444+134A>C (NM_001349956.3); short protein forms N154H, N197H, N185H.
Identifiers: ClinVar variation 2801050 (VCV002801050.4), dbSNP rs1320819223, ClinGen allele CA411107707.
Genomic context (GRCh38, chr22:28,725,109, plus strand): 5'-GCTCTGTATTTACAAAGGTTCCATTGCCACTGTGATCTTCTATGTATGCAATGTAAGAGT[T>G]TTTAGGACCCACTTCCTAAAATAGAGAACATTTTGTTTCAGACTTTGAATAGCAGAGATT-3'
Protein context (NP_009125.1, residues 144-164): FRIFREVGPK[Asn154His]SYIAYIEDHS

ClinVar aggregate classification (germline): Uncertain significance. Review status: criteria provided, multiple submitters, no conflicts (2 of 4 stars). 2 submissions from 2 submitters: Uncertain significance (2). Last evaluated 2025-04-09.

Conditions:
Familial cancer of breast. Also called: hereditary breast carcinoma; Hereditary breast cancer; BREAST CANCER, FAMILIAL. Identifiers: Orphanet 227535, MedGen C0346153, MONDO:0016419, OMIM 114480. Disease mechanism: loss of function.
Hereditary cancer-predisposing syndrome. Also called: Hereditary neoplastic syndrome; Neoplastic Syndromes, Hereditary; Hereditary Cancer Syndrome; Tumor predisposition. Identifiers: Orphanet 140162, MedGen C0027672, MeSH D009386, MONDO:0015356.

Submissions (2):

Ambry Genetics
Classification: Uncertain significance for Hereditary cancer-predisposing syndrome. Last evaluated: 2025-04-09. Review status: criteria provided, single submitter. Criteria: Ambry Variant Classification Scheme 2023. Collection method: clinical testing. Allele origin: germline.
Comment: The p.N154H variant (also known as c.460A>C), located in coding exon 3 of the CHEK2 gene, results from an A to C substitution at nucleotide position 460. The asparagine at codon 154 is replaced by histidine, an amino acid with similar properties. This amino acid position is conserved. In addition, the in silico prediction for this alteration is inconclusive. Based on the available evidence, the clinical significance of this variant remains unclear.

Labcorp Genetics (formerly Invitae), Labcorp
Classification: Uncertain significance for Familial cancer of breast. Last evaluated: 2023-08-05. Review status: criteria provided, single submitter. Criteria: Invitae Variant Classification Sherloc (09022015). Collection method: clinical testing. Allele origin: germline.
Comment: In summary, the available evidence is currently insufficient to determine the role of this variant in disease. Therefore, it has been classified as a Variant of Uncertain Significance. This sequence change replaces asparagine, which is neutral and polar, with histidine, which is basic and polar, at codon 154 of the CHEK2 protein (p.Asn154His). This variant is not present in population databases (gnomAD no frequency). This variant has not been reported in the literature in individuals affected with CHEK2-related conditions. An algorithm developed to predict the effect of missense changes on protein structure and function (PolyPhen-2) suggests that this variant is likely to be tolerated.